The following is an entry in ClinVar:

NM_001458.5(FLNC):c.1043A>C (p.His348Pro)

Gene: FLNC (filamin C; plus strand). Cytogenetic location: 7q32.1.
Variant type: single nucleotide variant.
Coding change: c.1043A>C on transcript NM_001458.5 (MANE Select); coding-DNA position 1043, A replaced by C.
Protein change: p.His348Pro; replaces histidine 348 with proline.
Molecular consequence: missense variant.
Genome position (GRCh38, 1-based): chr7:128,838,060, A>C. VCF-style: chr7-128838060-A-C. GRCh37 (hg19) VCF-style: chr7-128478114-A-C.
Other names: c.1043A>C, p.His348Pro (NM_001127487.2); short protein forms H348P.
Identifiers: ClinVar variation 2089954 (VCV002089954.4), dbSNP rs1808172270, ClinGen allele CA369223458.

ClinVar aggregate classification (germline): Uncertain significance (1 of 4 stars; one submission).

Conditions:
Hypertrophic cardiomyopathy 26. Also called: Cardiomyopathy, familial hypertrophic, 26. Identifiers: Orphanet 75249, MedGen C4310749, MONDO:0014883, OMIM 617047.
Myofibrillar myopathy 5. Also called: Filaminopathy (type); FILAMINOPATHY, AUTOSOMAL DOMINANT. Identifiers: Orphanet 171445, MedGen C1836050, MONDO:0012289, OMIM 609524.
Distal myopathy with posterior leg and anterior hand involvement. Also called: WILLIAMS DISTAL MYOPATHY. Identifiers: Orphanet 63273, MedGen C3279722, MONDO:0013550, OMIM 614065.

Submission:

Labcorp Genetics (formerly Invitae), Labcorp
Classification: Uncertain significance for Distal myopathy with posterior leg and anterior hand involvement; Myofibrillar myopathy 5; Hypertrophic cardiomyopathy 26. Last evaluated: 2024-02-16. Review status: criteria provided, single submitter. Criteria: Invitae Variant Classification Sherloc (09022015). Collection method: clinical testing. Allele origin: germline.
Comment: This sequence change replaces histidine, which is basic and polar, with proline, which is neutral and non-polar, at codon 348 of the FLNC protein (p.His348Pro). This variant is not present in population databases (gnomAD no frequency). This variant has not been reported in the literature in individuals affected with FLNC-related conditions. ClinVar contains an entry for this variant (Variation ID: 2089954). Advanced modeling of protein sequence and biophysical properties (such as structural, functional, and spatial information, amino acid conservation, physicochemical variation, residue mobility, and thermodynamic stability) has been performed at Invitae for this missense variant, however the output from this modeling did not meet the statistical confidence thresholds required to predict the impact of this variant on FLNC protein function. In summary, the available evidence is currently insufficient to determine the role of this variant in disease. Therefore, it has been classified as a Variant of Uncertain Significance.